The following is an entry in ClinVar:

ClinVar aggregate classification (germline): Likely pathogenic (1 of 4 stars; one submission).

Submission:

Labcorp Genetics (formerly Invitae), Labcorp
Classification: Likely pathogenic. Last evaluated: 2023-07-17. Review status: criteria provided, single submitter. Criteria: Invitae Variant Classification Sherloc (09022015). Collection method: clinical testing. Allele origin: germline.
Comment: This variant results in the deletion of part of exon 39 (c.5186-1_5188del) of the RTTN gene. It is expected to disrupt RNA splicing. Variants that disrupt the donor or acceptor splice site typically lead to a loss of protein function (PMID: 16199547), and loss-of-function variants in RTTN are known to be pathogenic (PMID: 26608784, 26846091). In summary, the currently available evidence indicates that the variant is pathogenic, but additional data are needed to prove that conclusively. Therefore, this variant has been classified as Likely Pathogenic. Algorithms developed to predict the effect of sequence changes on RNA splicing suggest that this variant may disrupt the consensus splice site. This variant has not been reported in the literature in individuals affected with RTTN-related conditions. This variant is present in population databases (rs776321170, gnomAD 0.004%).

Literature cited by the submitters: PubMed 16199547; PubMed 26608784; PubMed 26846091.

NM_173630.4(RTTN):c.5186-1_5188del

Gene: RTTN (rotatin; minus strand). Cytogenetic location: 18q22.2.
Variant type: Deletion.
Coding change: c.5186-1_5188del on transcript NM_173630.4 (MANE Select); the canonical splice acceptor site of the intron before coding-DNA position 5186 through coding-DNA position 5188, 4 bases deleted (GATA; older notation c.5186-1_5188delGATA).
Molecular consequence: splice acceptor variant.
Genome position (GRCh38, 1-based): chr18:70,051,546-70,051,549, TATC deleted on the plus strand (GATA on the coding strand, the reverse complement: RTTN is on the minus strand); deleting any 4 consecutive bases within chr18:70,051,546-70,051,552 gives the same sequence; the c. name uses the placement nearest the transcript's 3' end. VCF-style (leftmost placement, unchanged base first): chr18-70051545-TTATC-T. GRCh37 (hg19) VCF-style: chr18-67718781-TTATC-T.
Other names: c.2450-1_2452del (NM_001318520.2).
Identifiers: ClinVar variation 2972787 (VCV002972787.3), dbSNP rs776321170, ClinGen allele CA8995012.